The following is an entry in ClinVar:

NM_000302.4(PLOD1):c.*4G>T

Gene: PLOD1 (procollagen-lysine,2-oxoglutarate 5-dioxygenase 1; plus strand). Cytogenetic location: 1p36.22.
Variant type: single nucleotide variant.
Coding change: c.*4G>T on transcript NM_000302.4 (MANE Select); 4 bases downstream of the stop codon, G replaced by T.
Molecular consequence: 3 prime UTR variant.
Genome position (GRCh38, 1-based): chr1:11,974,812, G>T. VCF-style: chr1-11974812-G-T. GRCh37 (hg19) VCF-style: chr1-12034869-G-T.
Other names: c.*4G>T (NM_001316320.2).
Identifiers: ClinVar variation 520103 (VCV000520103.5), dbSNP rs750397415, ClinGen allele CA521203062.

ClinVar aggregate classification (germline): Uncertain significance (1 of 4 stars; one submission).

Conditions:
Familial thoracic aortic aneurysm and aortic dissection (TAAD). Also called: Thoracic aortic aneurysms and dissections. Identifiers: Orphanet 91387, MedGen C4707243, MONDO:0019625.

Allele frequency attached by ClinVar (database versions not stated): TOPMed 0.00002.
gnomAD v4.1: 8 of 1,613,916 alleles (0.0005%); highest among the groups gnomAD compares: Non-Finnish European, 0.00068%; no homozygotes.

Submission:

Ambry Genetics
Classification: Uncertain significance for Familial thoracic aortic aneurysm and aortic dissection. Last evaluated: 2016-02-12. Review status: criteria provided, single submitter. Criteria: Ambry Variant Classification Scheme 2023. Collection method: clinical testing. Allele origin: germline.
Comment: The c.*4G>T variant is located in the 3' untranslated region (3&rsquo; UTR) of the PLOD1 gene. This variant results from a G to T substitution four nucleotides downstream of the last translated codon. This variant was not reported in population based cohorts in the following databases: Database of Single Nucleotide Polymorphisms (dbSNP), NHLBI Exome Sequencing Project (ESP), and 1000 Genomes Project. In the ESP, this variant was not observed in 6503 samples (13006 alleles) with coverage at this position. This nucleotide position is poorly conserved in available vertebrate species; however, T is the reference nucleotide in other vertebrate species. Since supporting evidence is limited at this time, the clinical significance of this alteration remains unclear.